The following is an entry in ClinVar:

NM_001267550.2(TTN):c.106020T>C (p.Gly35340=)

Genes: TTN (titin; minus strand), TTN-AS1 (TTN antisense RNA 1; plus strand), LOC129935182 (ATAC-STARR-seq lymphoblastoid active region 16807; plus strand). Cytogenetic location: 2q31.2.
Variant type: single nucleotide variant.
Coding change: c.106020T>C on transcript NM_001267550.2 (MANE Select); coding-DNA position 106020, T replaced by C.
Protein change: p.Gly35340=; no amino-acid change (glycine 35340 retained).
Molecular consequence: synonymous variant.
Genome position (GRCh38, 1-based): chr2:178,530,595, A>G on the plus strand (T>C on the coding strand, the complement: TTN is on the minus strand). VCF-style: chr2-178530595-A-G. GRCh37 (hg19) VCF-style: chr2-179395322-A-G.
Other names: c.101097T>C, p.Gly33699= (NM_001256850.1); c.78825T>C, p.Gly26275= (NM_003319.4); c.98316T>C, p.Gly32772= (NM_133378.4); c.79200T>C, p.Gly26400= (NM_133432.3); c.79401T>C, p.Gly26467= (NM_133437.4).
Identifiers: ClinVar variation 332683 (VCV000332683.18), dbSNP rs148865574, ClinGen allele CA1985178.
Genomic context (GRCh38, chr2:178,530,595, plus strand): 5'-CTCACAAACATATTCTCCTTGATCAGATTCAGTGAGGTTATTGATTTTGAGCTCATAGGT[A>G]CCATCTGCTGAATAATGAAACTGGAAATGCCCATTTTCCTTCAGTTTCTTGCCATCTTTA-3'
Protein context (NP_001254479.2, residues 35330-35350): GHFQFHYSAD[Gly35340=]TYELKINNLT

ClinVar aggregate classification (germline): Conflicting classifications of pathogenicity. Review status: criteria provided, conflicting classifications (1 of 4 stars). 9 submissions from 5 submitters: Uncertain significance (3); Benign (2); Likely benign (4). Last evaluated 2025-10-10.

Conditions:
Tibial muscular dystrophy (TMD). Also called: Tibial muscular dystrophy, tardive; UDD MYOPATHY; Udd Distal Myopathy – Tibial Muscular Dystrophy. Identifiers: Orphanet 609, MedGen C1838244, MONDO:0010870, OMIM 600334.
Cardiovascular phenotype. Identifiers: MedGen CN230736.
Dilated cardiomyopathy 1G (CMD1G). Identifiers: Orphanet 154, MedGen C1858763, MONDO:0011400, OMIM 604145.
Autosomal recessive limb-girdle muscular dystrophy type 2J (LGMDR10). Also called: Limb-girdle muscular dystrophy, type 2J; MUSCULAR DYSTROPHY, LIMB-GIRDLE, AUTOSOMAL RECESSIVE 10. Identifiers: Orphanet 140922, MedGen C1837342, MONDO:0012127, OMIM 608807.
Early-onset myopathy with fatal cardiomyopathy (CMYO5). Also called: Salih Myopathy; CONGENITAL MYOPATHY 5 WITH CARDIOMYOPATHY. Identifiers: Orphanet 289377, MedGen C2673677, MONDO:0012714, OMIM 611705. Disease mechanism: loss of function.
Myopathy, myofibrillar, 9, with early respiratory failure (MFM9). Also called: Hereditary myopathy with early respiratory failure; Myopathy, distal, with early respiratory failure, autosomal dominant; EDSTROM MYOPATHY; MYOPATHY, PROXIMAL, WITH EARLY RESPIRATORY MUSCLE INVOLVEMENT. Identifiers: Orphanet 178464, Orphanet 34521, MedGen C1863599, MONDO:0011362, OMIM 603689.

Allele frequency attached by ClinVar (database versions not stated): TOPMed 0.00001; gnomAD 0.00002; gnomAD exomes 0.00003 and 0.00004; ExAC 0.00006; 1000 Genomes Project 30x 0.00031; 1000 Genomes Project 0.00040.
gnomAD v4.1: 59 of 1,614,028 alleles (0.0037%); highest among the groups gnomAD compares: East Asian, 0.13%; no homozygotes.

Submissions (9):

Labcorp Genetics (formerly Invitae), Labcorp
Classification: Likely benign for Dilated cardiomyopathy 1G; Autosomal recessive limb-girdle muscular dystrophy type 2J. Last evaluated: 2025-10-10. Review status: criteria provided, single submitter. Criteria: Invitae Variant Classification Sherloc (09022015). Collection method: clinical testing. Allele origin: germline.

Ambry Genetics
Classification: Likely benign for Cardiovascular phenotype. Last evaluated: 2024-10-15. Review status: criteria provided, single submitter. Criteria: Ambry Variant Classification Scheme 2023. Collection method: clinical testing. Allele origin: germline.

Blueprint Genetics
Classification: Likely benign. Last evaluated: 2024-01-11. Review status: criteria provided, single submitter. Criteria: ACMG Guidelines, 2015. Collection method: clinical testing. Allele origin: germline.

GeneDx
Classification: Likely benign. Last evaluated: 2021-03-11. Review status: criteria provided, single submitter. Criteria: GeneDx Variant Classification Process June 2021. Collection method: clinical testing. Allele origin: germline. Affected: yes.

Illumina Laboratory Services, Illumina
Classification: Uncertain significance for Dilated cardiomyopathy 1G. Last evaluated: 2018-01-13. Review status: criteria provided, single submitter. Criteria: ICSL Variant Classification Criteria 13 December 2019. Collection method: clinical testing. Allele origin: germline.

Illumina Laboratory Services, Illumina
Classification: Benign for Tibial muscular dystrophy. Last evaluated: 2018-01-13. Review status: criteria provided, single submitter. Criteria: ICSL Variant Classification Criteria 13 December 2019. Collection method: clinical testing. Allele origin: germline.
Comment: This variant was observed in the ICSL laboratory as part of a predisposition screen in an ostensibly healthy population. It had not been previously curated by ICSL or reported in the Human Gene Mutation Database (HGMD: prior to June 1st, 2018), and was therefore a candidate for classification through an automated scoring system. Utilizing variant allele frequency, disease prevalence and penetrance estimates, and inheritance mode, an automated score was calculated to assess if this variant is too frequent to cause the disease. Based on the score and internal cut-off values, a variant classified as benign is not then subjected to further curation. The score for this variant resulted in a classification of benign for this disease.

Illumina Laboratory Services, Illumina
Classification: Uncertain significance for Early-onset myopathy with fatal cardiomyopathy. Last evaluated: 2018-01-13. Review status: criteria provided, single submitter. Criteria: ICSL Variant Classification Criteria 13 December 2019. Collection method: clinical testing. Allele origin: germline.

Illumina Laboratory Services, Illumina
Classification: Uncertain significance for Autosomal recessive limb-girdle muscular dystrophy type 2J. Last evaluated: 2018-01-13. Review status: criteria provided, single submitter. Criteria: ICSL Variant Classification Criteria 13 December 2019. Collection method: clinical testing. Allele origin: germline.

Illumina Laboratory Services, Illumina
Classification: Benign for Myopathy, myofibrillar, 9, with early respiratory failure. Last evaluated: 2018-01-13. Review status: criteria provided, single submitter. Criteria: ICSL Variant Classification Criteria 13 December 2019. Collection method: clinical testing. Allele origin: germline.
Comment: the same text as in the submission from Illumina Laboratory Services, Illumina above.